The following is an entry in ClinVar:

ClinVar aggregate classification (germline): Uncertain significance. Review status: criteria provided, multiple submitters, no conflicts (2 of 4 stars). 2 submissions from 2 submitters: Uncertain significance (2). Last evaluated 2024-08-14.

Conditions:
Developmental delay, hypotonia, musculoskeletal defects, and behavioral abnormalities. Identifiers: MedGen C5562012, MONDO:0859202, OMIM 619595.

Allele frequency attached by ClinVar (database versions not stated): gnomAD exomes below 0.00001; gnomAD 0.00001; TOPMed 0.00002.
gnomAD v4.1: 3 of 1,612,868 alleles (0.00019%); highest among the groups gnomAD compares: Non-Finnish European, 0.00025%; no homozygotes.

Submissions (2):

Labcorp Genetics (formerly Invitae), Labcorp
Classification: Uncertain significance. Last evaluated: 2024-08-14. Review status: criteria provided, single submitter. Criteria: Invitae Variant Classification Sherloc (09022015). Collection method: clinical testing. Allele origin: germline.
Comment: This sequence change replaces glutamic acid, which is acidic and polar, with valine, which is neutral and non-polar, at codon 1890 of the SRCAP protein (p.Glu1890Val). This variant is not present in population databases (gnomAD no frequency). This variant has not been reported in the literature in individuals affected with SRCAP-related conditions. Invitae Evidence Modeling of protein sequence and biophysical properties (such as structural, functional, and spatial information, amino acid conservation, physicochemical variation, residue mobility, and thermodynamic stability) indicates that this missense variant is not expected to disrupt SRCAP protein function with a negative predictive value of 80%. In summary, the available evidence is currently insufficient to determine the role of this variant in disease. Therefore, it has been classified as a Variant of Uncertain Significance.

Human Genetics Bochum, Ruhr University Bochum
Classification: Uncertain significance for Developmental delay, hypotonia, musculoskeletal defects, and behavioral abnormalities. Last evaluated: 2023-08-28. Review status: criteria provided, single submitter. Criteria: ACMG Guidelines, 2015. Collection method: clinical testing. Allele origin: germline. Affected: yes.
Comment: ACMG criteria used to clasify this variant: PM2_SUP, PP3

NM_006662.3(SRCAP):c.5669A>T (p.Glu1890Val)

Gene: SRCAP (Snf2 related CREBBP activator protein; plus strand). Cytogenetic location: 16p11.2.
Variant type: single nucleotide variant.
Coding change: c.5669A>T on transcript NM_006662.3 (MANE Select); coding-DNA position 5669, A replaced by T.
Protein change: p.Glu1890Val; replaces glutamic acid 1890 with valine.
Molecular consequence: missense variant.
Genome position (GRCh38, 1-based): chr16:30,728,976, A>T. VCF-style: chr16-30728976-A-T. GRCh37 (hg19) VCF-style: chr16-30740297-A-T.
Other names: short protein forms E1890V.
Identifiers: ClinVar variation 2991471 (VCV002991471.4), dbSNP rs1319056235, ClinGen allele CA395621086.